The following is an entry in ClinVar:

NM_000384.3(APOB):c.9398C>T (p.Pro3133Leu)

Gene: APOB (apolipoprotein B; minus strand). Cytogenetic location: 2p24.1.
Variant type: single nucleotide variant.
Coding change: c.9398C>T on transcript NM_000384.3 (MANE Select); coding-DNA position 9398, C replaced by T.
Protein change: p.Pro3133Leu; replaces proline 3133 with leucine.
Molecular consequence: missense variant.
Genome position (GRCh38, 1-based): chr2:21,007,470, G>A on the plus strand (C>T on the coding strand, the complement: APOB is on the minus strand). VCF-style: chr2-21007470-G-A. GRCh37 (hg19) VCF-style: chr2-21230342-G-A.
Other names: short protein forms P3133L.
Identifiers: ClinVar variation 1766779 (VCV001766779.4), dbSNP rs781611122, ClinGen allele CA066496.

ClinVar aggregate classification (germline): Uncertain significance. Review status: criteria provided, multiple submitters, no conflicts (2 of 4 stars). 2 submissions from 2 submitters: Uncertain significance (2). Last evaluated 2026-04-26.

Conditions:
Cardiovascular phenotype. Identifiers: MedGen CN230736.

Allele frequency attached by ClinVar (database versions not stated): gnomAD exomes below 0.00001; ExAC 0.00001.
gnomAD v4.1: 5 of 1,614,040 alleles (0.00031%); highest among the groups gnomAD compares: Non-Finnish European, 0.00042%; no homozygotes.

Submissions (2):

GeneDx
Classification: Uncertain significance. Last evaluated: 2026-04-26. Review status: criteria provided, single submitter. Criteria: GeneDx Variant Classification Process June 2021. Collection method: clinical testing. Allele origin: germline.
Comment: Not observed at significant frequency in large population cohorts (gnomAD); In silico analysis supports that this missense variant has a deleterious effect on protein structure/function; Has not been previously published as pathogenic or benign to our knowledge

Ambry Genetics
Classification: Uncertain significance for Cardiovascular phenotype. Last evaluated: 2025-07-22. Review status: criteria provided, single submitter. Criteria: Ambry Variant Classification Scheme 2023. Collection method: clinical testing. Allele origin: germline.
Comment: The p.P3133L variant (also known as c.9398C>T), located in coding exon 26 of the APOB gene, results from a C to T substitution at nucleotide position 9398. The proline at codon 3133 is replaced by leucine, an amino acid with similar properties. This amino acid position is conserved. In addition, the in silico prediction for this alteration is inconclusive. Since supporting evidence is limited at this time, the clinical significance of this alteration remains unclear.